The following is an entry in ClinVar:

NM_002055.5(GFAP):c.1246C>T (p.Arg416Trp)

Gene: GFAP (glial fibrillary acidic protein; minus strand). Cytogenetic location: 17q21.31.
Variant type: single nucleotide variant.
Coding change: c.1246C>T on transcript NM_002055.5 (MANE Select); coding-DNA position 1246, C replaced by T.
Protein change: p.Arg416Trp; replaces arginine 416 with tryptophan.
Molecular consequence: missense variant.
Genome position (GRCh38, 1-based): chr17:44,908,075, G>A on the plus strand (C>T on the coding strand, the complement: GFAP is on the minus strand). VCF-style: chr17-44908075-G-A. GRCh37 (hg19) VCF-style: chr17-42985443-G-A.
Other names: c.1366C>T, p.Arg456Trp (NM_001363846.2); short protein forms R416W, R456W.
Identifiers: ClinVar variation 16169 (VCV000016169.20), dbSNP rs121909717, ClinGen allele CA217140.

ClinVar aggregate classification (germline): Pathogenic. Review status: criteria provided, multiple submitters, no conflicts (2 of 4 stars). 10 submissions from 10 submitters: Pathogenic (7). 3 of the submissions do not count toward it. Last evaluated 2025-10-31.

Conditions:
GFAP-related disorder. Also called: GFAP-related disorders; GFAP-related condition.
Inborn genetic diseases. Identifiers: MedGen C0950123, MeSH D030342.
Alexander disease (ALXDRD). Also called: Alexander's disease. Identifiers: Orphanet 58, MedGen C0270726, MONDO:0008752, OMIM 203450.

Submissions (10):

3billion
Classification: Pathogenic for Alexander disease. Last evaluated: 2025-10-31. Review status: criteria provided, single submitter. Criteria: ACMG Guidelines, 2015. Collection method: clinical testing. Allele origin: germline. Affected: yes.
Comment: The variant is observed at an extremely low frequency in the gnomAD v4.1.0 dataset (total allele frequency: <0.001%). Predicted Consequence/Location: Missense variant. Missense changes are a common disease-causing mechanism. Functional studies provide strong evidence of the variant having a damaging effect on the gene or gene product (PMID: 17318298). In silico tool predictions suggest damaging effect of the variant on gene or gene product [REVEL: 0.93 (>=0.6, sensitivity 0.68 and specificity 0.92); 3Cnet: 0.95 (> 0.75, sensitivity 0.96 and precision 0.92)]. The same nucleotide change resulting in the same amino acid change has been previously reported as pathogenic/likely pathogenic with strong evidence (ClinVar ID: VCV000016169 /PMID: 11138011 /3billion dataset). Therefore, this variant is classified as Pathogenic according to the recommendation of ACMG/AMP guideline.

Labcorp Genetics (formerly Invitae), Labcorp
Classification: Pathogenic. Last evaluated: 2025-09-24. Review status: criteria provided, single submitter. Criteria: Invitae Variant Classification Sherloc (09022015). Collection method: clinical testing. Allele origin: germline.
Comment: This sequence change replaces arginine, which is basic and polar, with tryptophan, which is neutral and slightly polar, at codon 416 of the GFAP protein (p.Arg416Trp). This variant is present in population databases (rs121909717, gnomAD 0.01%). This missense change has been observed in individual(s) with Alexander disease (PMID: 11138011, 27814755). In at least one individual the variant was observed to be de novo. ClinVar contains an entry for this variant (Variation ID: 16169). Invitae Evidence Modeling of protein sequence and biophysical properties (such as structural, functional, and spatial information, amino acid conservation, physicochemical variation, residue mobility, and thermodynamic stability) has been performed for this missense variant. However, the output from this modeling did not meet the statistical confidence thresholds required to predict the impact of this variant on GFAP protein function. Experimental studies have shown that this missense change affects GFAP function (PMID: 16826512). For these reasons, this variant has been classified as Pathogenic.

Revvity Omics, Revvity
Classification: Pathogenic for Alexander disease. Last evaluated: 2022-11-08. Review status: criteria provided, single submitter. Criteria: ACMG Guidelines, 2015. Collection method: clinical testing. Allele origin: germline.

Victorian Clinical Genetics Services, Murdoch Childrens Research Institute
Classification: Pathogenic for Alexander disease. Last evaluated: 2021-05-06. Review status: criteria provided, single submitter. Criteria: ACMG Guidelines, 2015. Collection method: clinical testing. Allele origin: germline. Inheritance: Autosomal dominant inheritance. Affected: yes.
Comment: Based on the classification scheme VCGS_Germline_v1.3.4, this variant is classified as Pathogenic. Following criteria are met: 0105 - The mechanism of disease for this gene is not clearly established. Fuctional studies have demonstrated both dominant negative and gain of function are possible mechanisms of disease, where the latter is the more widely accepted mechanism (OMIM, GeneReviews, PMID: 11138011, PMID: 30355500, PMID: 31484723). (I) 0107 - This gene is associated with autosomal dominant disease. (I) 0200 - Variant is predicted to result in a missense amino acid change from arginine to tryptophan. (I) 0251 - This variant is heterozygous. (I) 0302 - Variant is present in gnomAD (v2, v3) <0.001 for a dominant condition (1 heterozygote, 0 homozygotes). (SP) 0309 - An alternative amino acid change at the same position has been observed in gnomAD (v2) (21 heterozygotes, 0 homozygotes). (I) 0501 - Missense variant consistently predicted to be damaging by multiple in silico tools or highly conserved with a major amino acid change. (SP) 0600 - Variant is located in the annotated tail domain (PMID: 31611638). (I) 0801 - This variant has strong previous evidence of pathogenicity in unrelated individuals. This variant has been reported as pathogenic, and shown to be de novo in a patient with Alexander disease (ClinVar). It has also been reported in multiple other patients with infantile-, juvenile- and adult-onset Alexander disease, both familial and sporadic (PMID: 31611638, PMID: 18684770, PMID: 27814755). (SP) 1102 - Strong phenotype match for this individual. (SP) 1208 - Inheritance information for this variant is not currently available in this individual. (I) Legend: (SP) - Supporting pathogenic, (I) - Information, (SB) - Supporting benign

Blueprint Genetics
Classification: Pathogenic for GFAP-related disorders. Last evaluated: 2020-03-17. Review status: criteria provided, single submitter. Criteria: ACMG Guidelines, 2015. Collection method: clinical testing. Allele origin: germline. Affected: yes. Observed: 2 variant alleles.

Ambry Genetics
Classification: Pathogenic for Inborn genetic diseases. Last evaluated: 2019-11-06. Review status: criteria provided, single submitter. Criteria: Ambry exome assertion method (8-5-2015). Collection method: clinical testing. Allele origin: germline. Affected: yes. Observed: 1 variant allele.

Institute of Human Genetics Munich, TUM University Hospital
Classification: Pathogenic for Alexander disease. Last evaluated: 2017-10-25. Review status: criteria provided, single submitter. Criteria: Classification criteria August 2017. Collection method: clinical testing. Allele origin: de novo. Inheritance: Autosomal dominant inheritance. Affected: yes. Observed: 1 heterozygote.

OMIM
Classification: Pathogenic for ALEXANDER DISEASE. Last evaluated: 2006-08-01. Review status: no assertion criteria provided. Collection method: literature only. Allele origin: germline. Not counted in ClinVar's aggregate classification.

Epithelial Biology;  Institute of Medical Biology, Singapore
No classification provided. Review status: no classification provided. Collection method: not provided. Allele origin: not provided. Not counted in ClinVar's aggregate classification.

GeneReviews
No classification provided. Condition: Alexander disease. Review status: no classification provided. Collection method: literature only. Allele origin: germline. Not counted in ClinVar's aggregate classification.

Literature cited by the submitters: PubMed 11138011 (cited by 6 submitters); PubMed 17318298 (cited by 3billion); PubMed 27814755 (cited by 3 submitters); PubMed 16826512 (cited by 3 submitters); PubMed 18684770 (cited by Victorian Clinical Genetics Services, Murdoch Childrens Research Institute and GeneReviews); PubMed 30355500 (cited by Victorian Clinical Genetics Services, Murdoch Childrens Research Institute); PubMed 31484723 (cited by Victorian Clinical Genetics Services, Murdoch Childrens Research Institute); PubMed 31611638 (cited by Victorian Clinical Genetics Services, Murdoch Childrens Research Institute); PubMed 14550921 (cited by Ambry Genetics and GeneReviews); PubMed 15390001 (cited by Ambry Genetics and GeneReviews); PubMed 24742911 (cited by Ambry Genetics and GeneReviews); PubMed 30213442 (cited by Ambry Genetics); PubMed 15732097 (cited by OMIM and GeneReviews); NCBI Bookshelf NBK1172 (cited by GeneReviews); PubMed 12034785 (cited by GeneReviews); PubMed 18388212 (cited by GeneReviews); PubMed 16505300 (cited by GeneReviews); PubMed 17894839 (cited by GeneReviews).